The following is an entry in ClinVar:

ClinVar aggregate classification (germline): Uncertain significance (1 of 4 stars; one submission).

Conditions:
Ataxia-telangiectasia syndrome (AT). Also called: Ataxia-telangiectasia, complementation group D; AT, COMPLEMENTATION GROUP C; ATAXIA-TELANGIECTASIA, COMPLEMENTATION GROUP A; ATAXIA-TELANGIECTASIA, FRESNO VARIANT; Ataxia-telangiectasia; LOUIS-BAR SYNDROME. Identifiers: Orphanet 100, MedGen C0004135, MONDO:0008840, OMIM 208900.

Submission:

Labcorp Genetics (formerly Invitae), Labcorp
Classification: Uncertain significance for Ataxia-telangiectasia syndrome. Last evaluated: 2018-09-12. Review status: criteria provided, single submitter. Criteria: Invitae Variant Classification Sherloc (09022015). Collection method: clinical testing. Allele origin: germline.
Comment: In summary, the available evidence is currently insufficient to determine the role of this variant in disease. Therefore, it has been classified as a Variant of Uncertain Significance. Algorithms developed to predict the effect of missense changes on protein structure and function (SIFT, PolyPhen-2, Align-GVGD) all suggest that this variant is likely to be disruptive, but these predictions have not been confirmed by published functional studies and their clinical significance is uncertain. This variant has not been reported in the literature in individuals with ATM-related disease. This variant is not present in population databases (ExAC no frequency). This sequence change replaces phenylalanine with serine at codon 2831 of the ATM protein (p.Phe2831Ser). The phenylalanine residue is highly conserved and there is a large physicochemical difference between phenylalanine and serine.

NM_000051.4(ATM):c.8492T>C (p.Phe2831Ser)

Genes: ATM (ATM serine/threonine kinase; plus strand), C11orf65 (chromosome 11 open reading frame 65; minus strand). Cytogenetic location: 11q22.3.
Variant type: single nucleotide variant.
Coding change: c.8492T>C on transcript NM_000051.4 (MANE Select); coding-DNA position 8492, T replaced by C.
Protein change: p.Phe2831Ser; replaces phenylalanine 2831 with serine.
Molecular consequence: missense variant. On other transcripts: intron variant (2).
Genome position (GRCh38, 1-based): chr11:108,345,816, T>C. VCF-style: chr11-108345816-T-C. GRCh37 (hg19) VCF-style: chr11-108216543-T-C.
Other names: c.8492T>C, p.Phe2831Ser (NM_001351834.2); c.641-36745A>G (NM_001330368.2); c.695-10524A>G (NM_001351110.2); short protein forms F2831S.
Identifiers: ClinVar variation 641725 (VCV000641725.9), dbSNP rs1591264665, ClinGen allele CA382518092.